The following is an entry in ClinVar:

NC_000002.11:g.(?_71762131)_(71766389_?)del

Gene: DYSF (dysferlin; plus strand). Cytogenetic location: 2p13.2.
Variant type: Deletion.
Identifiers: ClinVar variation 3247370 (VCV003247370.1).

ClinVar aggregate classification (germline): Pathogenic (1 of 4 stars; one submission).

Conditions:
Neuromuscular disease caused by qualitative or quantitative defects of dysferlin. Also called: Qualitative or quantitative defects of dysferlin; Dysferlinopathy. Identifiers: Orphanet 207073, MedGen C2931687, MONDO:0016145.

Submission:

Labcorp Genetics (formerly Invitae), Labcorp
Classification: Pathogenic for Neuromuscular disease caused by qualitative or quantitative defects of dysferlin. Last evaluated: 2023-09-15. Review status: criteria provided, single submitter. Criteria: Invitae Variant Classification Sherloc (09022015). Collection method: clinical testing. Allele origin: unknown.
Comment: This variant is a gross deletion of the genomic region encompassing exon(s) 14-16 of the DYSF gene. This deletion is out-of-frame, and is expected to create a premature termination codon and result in an absent or disrupted protein product. Loss-of-function variants in DYSF are known to be pathogenic (PMID: 17698709, 20301480). This variant has not been reported in the literature in individuals affected with DYSF-related conditions. For these reasons, this variant has been classified as Pathogenic.

Literature cited by the submitters: PubMed 17698709; PubMed 20301480.